The following is an entry in ClinVar:

NM_000540.3(RYR1):c.14256A>C (p.Thr4752=)

Gene: RYR1 (ryanodine receptor 1; plus strand). Cytogenetic location: 19q13.2.
Variant type: single nucleotide variant.
Coding change: c.14256A>C on transcript NM_000540.3 (MANE Select); coding-DNA position 14256, A replaced by C.
Protein change: p.Thr4752=; no amino-acid change (threonine 4752 retained).
Molecular consequence: synonymous variant.
Genome position (GRCh38, 1-based): chr19:38,578,001, A>C. VCF-style: chr19-38578001-A-C. GRCh37 (hg19) VCF-style: chr19-39068641-A-C.
Other names: p.Thr4752=; c.14241A>C, p.Thr4747= (NM_001042723.2).
Identifiers: ClinVar variation 93254 (VCV000093254.24), dbSNP rs1468571, ClinGen allele CA024124.

ClinVar aggregate classification (germline): Benign. Review status: criteria provided, multiple submitters, no conflicts (2 of 4 stars). 11 submissions from 10 submitters: Benign (10). 1 of the submissions does not count toward it. Last evaluated 2026-02-04.

Conditions:
RYR1-related disorder. Also called: RYR1-related condition; RYR1-related disorders. Identifiers: MedGen CN239331.
Congenital multicore myopathy with external ophthalmoplegia (CMYO1B). Also called: Congenital myopathy 1B, autosomal recessive; Minicore myopathy; Minicore myopathy with external ophthalmoplegia; MULTIMINICORE DISEASE WITH EXTERNAL OPHTHALMOPLEGIA; MULTICORE MYOPATHY. Identifiers: Orphanet 598, Orphanet 98905, MedGen C1850674, MONDO:0009712, OMIM 255320, HP:0003789.
Malignant hyperthermia, susceptibility to, 1 (MHS1). Also called: RYR1-Related Malignant Hyperthermia Susceptibility; Malignant hyperthermia suceptibility 1; Anesthesia related hyperthermia; Malignant hyperpyrexia; Fulminating hyperpyrexia; Pharmacogenic myopathy. Identifiers: Orphanet 423, MedGen C2930980, MONDO:0007783, OMIM 145600.

Allele frequency attached by ClinVar (database versions not stated): ESP Exome Variant Server 0.10864; TOPMed 0.12932; 1000 Genomes Project 0.15395; 1000 Genomes Project 30x 0.15896.
gnomAD v4.1: 74,288 of 1,613,922 alleles (4.6%); highest among the groups gnomAD compares: African/African-American, 30%; 5,311 homozygotes.

Submissions (11):

Labcorp Genetics (formerly Invitae), Labcorp
Classification: Benign for RYR1-related disorder. Last evaluated: 2026-02-04. Review status: criteria provided, single submitter. Criteria: Invitae Variant Classification Sherloc (09022015). Collection method: clinical testing. Allele origin: germline.

Color Diagnostics, LLC DBA Color Health
Classification: Benign for Malignant hyperthermia, susceptibility to, 1. Last evaluated: 2022-08-17. Review status: criteria provided, single submitter. Criteria: ACMG Guidelines, 2015. Collection method: clinical testing. Allele origin: germline.

PreventionGenetics, part of Exact Sciences
Classification: Benign. Last evaluated: 2018-04-03. Review status: criteria provided, single submitter. Criteria: ACMG Guidelines, 2015. Collection method: clinical testing. Allele origin: germline.

Illumina Laboratory Services, Illumina
Classification: Benign for Malignant hyperthermia, susceptibility to, 1. Last evaluated: 2018-01-13. Review status: criteria provided, single submitter. Criteria: ICSL Variant Classification Criteria 13 December 2019. Collection method: clinical testing. Allele origin: germline.
Comment: This variant was observed in the ICSL laboratory as part of a predisposition screen in an ostensibly healthy population. It had not been previously curated by ICSL or reported in the Human Gene Mutation Database (HGMD: prior to June 1st, 2018), and was therefore a candidate for classification through an automated scoring system. Utilizing variant allele frequency, disease prevalence and penetrance estimates, and inheritance mode, an automated score was calculated to assess if this variant is too frequent to cause the disease. Based on the score and internal cut-off values, a variant classified as benign is not then subjected to further curation. The score for this variant resulted in a classification of benign for this disease.

Illumina Laboratory Services, Illumina
Classification: Benign for Congenital multicore myopathy with external ophthalmoplegia. Last evaluated: 2018-01-13. Review status: criteria provided, single submitter. Criteria: ICSL Variant Classification Criteria 13 December 2019. Collection method: clinical testing. Allele origin: germline.
Comment: the same text as in the submission from Illumina Laboratory Services, Illumina above.

Mayo Clinic Laboratories, Mayo Clinic
Classification: Benign. Last evaluated: 2017-08-25. Review status: criteria provided, single submitter. Criteria: ACMG Guidelines, 2015. Collection method: clinical testing. Allele origin: germline. Observed: 118 variant alleles.

GeneDx
Classification: Benign. Last evaluated: 2016-02-17. Review status: criteria provided, single submitter. Criteria: GeneDx Variant Classification (06012015). Collection method: clinical testing. Allele origin: germline. Affected: yes.
Comment: This variant is considered likely benign or benign based on one or more of the following criteria: it is a conservative change, it occurs at a poorly conserved position in the protein, it is predicted to be benign by multiple in silico algorithms, and/or has population frequency not consistent with disease.

Eurofins Ntd Llc (ga)
Classification: Benign. Last evaluated: 2014-07-15. Review status: criteria provided, single submitter. Criteria: EGL Classification Definitions 2015. Collection method: clinical testing. Allele origin: germline. Observed: 6 variant alleles, 6 heterozygotes.

Genetic Services Laboratory, University of Chicago
Classification: Benign. Last evaluated: 2013-08-15. Review status: criteria provided, single submitter. Criteria: ACMG Guidelines, 2007. Collection method: clinical testing. Allele origin: germline. Inheritance: Autosomal unknown.

Breakthrough Genomics
Classification: Benign. Review status: criteria provided, single submitter. Criteria: ACMG Guidelines, 2015. Collection method: not provided. Allele origin: germline. Inheritance: Autosomal recessive inheritance. Affected: yes.

RYR1 database
No classification provided. Review status: no classification provided. Collection method: not provided. Allele origin: unknown. Not counted in ClinVar's aggregate classification.